The following is an entry in ClinVar:

ClinVar aggregate classification (germline): Uncertain significance (1 of 4 stars; one submission).

Submission:

Ambry Genetics
Classification: Uncertain significance. Last evaluated: 2025-07-13. Review status: criteria provided, single submitter. Criteria: Ambry Variant Classification Scheme 2023. Collection method: clinical testing. Allele origin: germline.
Comment: The p.K256R variant (also known as c.767A>G), located in coding exon 8 of the FAM175A gene, results from an A to G substitution at nucleotide position 767. The lysine at codon 256 is replaced by arginine, an amino acid with highly similar properties. This amino acid position is conserved. In addition, this alteration is predicted to be tolerated by in silico analysis. Based on the available evidence, the clinical significance of this variant remains unclear.

NM_139076.3(ABRAXAS1):c.767A>G (p.Lys256Arg)

Gene: ABRAXAS1 (abraxas 1, BRCA1 A complex subunit; minus strand). Cytogenetic location: 4q21.23.
Variant type: single nucleotide variant.
Coding change: c.767A>G on transcript NM_139076.3 (MANE Select); coding-DNA position 767, A replaced by G.
Protein change: p.Lys256Arg; replaces lysine 256 with arginine.
Molecular consequence: missense variant.
Genome position (GRCh38, 1-based): chr4:83,463,523, T>C on the plus strand (A>G on the coding strand, the complement: ABRAXAS1 is on the minus strand). VCF-style: chr4-83463523-T-C. GRCh37 (hg19) VCF-style: chr4-84384676-T-C.
Other names: c.440A>G, p.Lys147Arg (NM_001345962.2); short protein forms K147R, K256R.
Identifiers: ClinVar variation 4185453 (VCV004185453.1).